The following is an entry in ClinVar:

ClinVar aggregate classification (germline): Pathogenic (1 of 4 stars; one submission).

Conditions:
Coffin-Siris syndrome 1 (CSS1). Also called: ARID1B-Related Coffin-Siris Syndrome; Mental retardation, autosomal dominant 12. Identifiers: Orphanet 1465, MedGen C3281201, MONDO:0007617, OMIM 135900. Disease mechanism: gain of function.

Submission:

Victorian Clinical Genetics Services, Murdoch Childrens Research Institute
Classification: Pathogenic for Coffin-Siris syndrome 1. Last evaluated: 2022-06-24. Review status: criteria provided, single submitter. Criteria: ACMG Guidelines, 2015. Collection method: clinical testing. Allele origin: germline. Inheritance: Autosomal dominant inheritance. Affected: yes.
Comment: Based on the classification scheme VCGS_Germline_v1.3.4, this variant is classified as Pathogenic. Following criteria are met: 0102 - Loss of function is a known mechanism of disease in this gene and is associated with Coffin-Siris syndrome 1 (MIM#135900). (I) 0107 - This gene is associated with autosomal dominant disease. (I) 0115 - Variants in this gene are known to have variable expressivity (PMID: 33768696). (I) 0201 - Variant is predicted to cause nonsense-mediated decay (NMD) and loss of protein (premature termination codon is located at least 54 nucleotides upstream of the final exon-exon junction). (SP) 0251 - This variant is heterozygous. (I) 0301 - Variant is absent from gnomAD (both v2 and v3). (SP) 0701 - Other NMD predicted variants comparable to the one identified in this case have very strong previous evidence for pathogenicity (ClinVar). (SP) 0807 - This variant has no previous evidence of pathogenicity. (I) 0905 - No published segregation evidence has been identified for this variant. (I) 1007 - No published functional evidence has been identified for this variant. (SP) Legend: (SP) - Supporting pathogenic, (I) - Information, (SB) - Supporting benign

Literature cited by the submitters: PubMed 33768696.

NM_001374828.1(ARID1B):c.4522A>T (p.Lys1508Ter)

Gene: ARID1B (AT-rich interaction domain 1B; plus strand). Cytogenetic location: 6q25.3.
Variant type: single nucleotide variant.
Coding change: c.4522A>T on transcript NM_001374828.1 (MANE Select); coding-DNA position 4522, A replaced by T.
Protein change: p.Lys1508Ter; replaces lysine 1508 with a stop codon.
Molecular consequence: nonsense.
Genome position (GRCh38, 1-based): chr6:157,200,747, A>T. VCF-style: chr6-157200747-A-T. GRCh37 (hg19) VCF-style: chr6-157521881-A-T.
Other names: c.4153A>T (NM_020732.3); c.2023A>T, p.Lys675Ter (NM_001363725.2); c.4402A>T, p.Lys1468Ter (NM_001371656.1, NM_001374820.1); c.4363A>T, p.Lys1455Ter (NM_017519.3); short protein forms K1455*, K1468*, K1508*, K675*.
Identifiers: ClinVar variation 1699055 (VCV001699055.3), dbSNP rs1554235505, ClinGen allele CA366240795.